The following is an entry in ClinVar:

NM_006282.5(STK4):c.749G>A (p.Trp250Ter)

Gene: STK4 (serine/threonine kinase 4; plus strand). Cytogenetic location: 20q13.12.
Variant type: single nucleotide variant.
Coding change: c.749G>A on transcript NM_006282.5 (MANE Select); coding-DNA position 749, G replaced by A.
Protein change: p.Trp250Ter; replaces tryptophan 250 with a stop codon.
Molecular consequence: nonsense.
Genome position (GRCh38, 1-based): chr20:44,997,224, G>A. VCF-style: chr20-44997224-G-A. GRCh37 (hg19) VCF-style: chr20-43625865-G-A.
Other names: c.749G>A, p.Trp250Ter (NM_001352385.2); short protein forms W250*.
Identifiers: ClinVar variation 37325 (VCV000037325.6), dbSNP rs1601230245, ClinGen allele CA409125157.
Genomic context (GRCh38, chr20:44,997,224, plus strand): 5'-ACCAGGCAATCTTCATGATTCCTACAAATCCTCCTCCCACATTCCGAAAACCAGAGCTAT[G>A]GTCAGATAACTTTACAGATTTTGTGAAACAGTGTCTTGTAAAGAGCCCTGAGCAGAGGGC-3'

ClinVar aggregate classification (germline): Pathogenic. Review status: criteria provided, single submitter (1 of 4 stars). 2 submissions from 2 submitters: Pathogenic (1). 1 of the submissions does not count toward it. Last evaluated 2023-12-07.

Conditions:
Combined immunodeficiency due to STK4 deficiency (IMD110). Also called: STK4 DEFICIENCY; MST1 DEFICIENCY; T-cell immunodeficiency, recurrent infections, and autoimmunity with or without cardiac malformations. Identifiers: Orphanet 314689, MedGen C3553943, MONDO:0013934, OMIM 614868.

Submissions (2):

Labcorp Genetics (formerly Invitae), Labcorp
Classification: Pathogenic for Combined immunodeficiency due to STK4 deficiency. Last evaluated: 2023-12-07. Review status: criteria provided, single submitter. Criteria: Invitae Variant Classification Sherloc (09022015). Collection method: clinical testing. Allele origin: germline.
Comment: This sequence change creates a premature translational stop signal (p.Trp250*) in the STK4 gene. It is expected to result in an absent or disrupted protein product. Loss-of-function variants in STK4 are known to be pathogenic (PMID: 22174160). This variant is not present in population databases (gnomAD no frequency). This premature translational stop signal has been observed in individual(s) with clinical features of MST1 deficiency (PMID: 22294732). It has also been observed to segregate with disease in related individuals. ClinVar contains an entry for this variant (Variation ID: 37325). Algorithms developed to predict the effect of sequence changes on RNA splicing suggest that this variant may disrupt the consensus splice site. For these reasons, this variant has been classified as Pathogenic.

OMIM
Classification: Pathogenic for IMMUNODEFICIENCY 110 WITH LYMPHOPROLIFERATION. Last evaluated: 2012-04-12. Review status: no assertion criteria provided. Collection method: literature only. Allele origin: germline. Not counted in ClinVar's aggregate classification.

Literature cited by the submitters: PubMed 22174160 (cited by Labcorp Genetics (formerly Invitae), Labcorp); PubMed 22294732 (cited by Labcorp Genetics (formerly Invitae), Labcorp and OMIM).